The following is an entry in ClinVar:

NM_001849.4(COL6A2):c.*66C>G

Gene: COL6A2 (collagen type VI alpha 2 chain; plus strand). Cytogenetic location: 21q22.3.
Variant type: single nucleotide variant.
Coding change: c.*66C>G on transcript NM_001849.4 (MANE Select); 66 bases downstream of the stop codon, C replaced by G.
Molecular consequence: 3 prime UTR variant.
Genome position (GRCh38, 1-based): chr21:46,132,618, C>G. VCF-style: chr21-46132618-C-G. GRCh37 (hg19) VCF-style: chr21-47552532-C-G.
Identifiers: ClinVar variation 340394 (VCV000340394.6), dbSNP rs568256520, ClinGen allele CA10644893.
Genomic context (GRCh38, chr21:46,132,618, plus strand): 5'-CCGCCCGGGCCCCGCAGTCGAGGGTCGTGAGCCCACCCCGTCCATGGTGCTAAGCGGGCC[C>G]GGGTCCCACACGGCCAGCACCGCTGCTCACTCGGACGACGCCCTGGGCCTGCACCTCTCC-3'

ClinVar aggregate classification (germline): Benign (1 of 4 stars; one submission).

Conditions:
Collagen 6-related myopathy. Identifiers: MedGen CN117976, MONDO:0100225.

Allele frequency attached by ClinVar (database versions not stated): 1000 Genomes Project 0.00379; TOPMed 0.00523; 1000 Genomes Project 30x 0.00375.
gnomAD v4.1: 1,324 of 1,450,426 alleles (0.091%); highest among the groups gnomAD compares: African/African-American, 1.7%; 16 homozygotes.

Submission:

Illumina Laboratory Services, Illumina
Classification: Benign for Collagen VI-related myopathy. Last evaluated: 2018-01-13. Review status: criteria provided, single submitter. Criteria: ICSL Variant Classification Criteria 13 December 2019. Collection method: clinical testing. Allele origin: germline.
Comment: This variant was observed in the ICSL laboratory as part of a predisposition screen in an ostensibly healthy population. It had not been previously curated by ICSL or reported in the Human Gene Mutation Database (HGMD: prior to June 1st, 2018), and was therefore a candidate for classification through an automated scoring system. Utilizing variant allele frequency, disease prevalence and penetrance estimates, and inheritance mode, an automated score was calculated to assess if this variant is too frequent to cause the disease. Based on the score and internal cut-off values, a variant classified as benign is not then subjected to further curation. The score for this variant resulted in a classification of benign for this disease.